The following is an entry in ClinVar:

NM_022834.5(VWA1):c.252del (p.Glu85fs)

Gene: VWA1 (von Willebrand factor A domain containing 1; plus strand). Cytogenetic location: 1p36.33.
Variant type: Deletion.
Coding change: c.252del on transcript NM_022834.5 (MANE Select); coding-DNA position 252, one base deleted (C; older notation c.252delC).
Protein change: p.Glu85fs; shifts the reading frame from glutamic acid 85.
Molecular consequence: frameshift variant. On other transcripts: intron variant (1).
Genome position (GRCh38, 1-based): chr1:1,437,105, C deleted; the last of 2 consecutive C bases (chr1:1,437,104-1,437,105); deleting either gives the same sequence. VCF-style (leftmost placement, unchanged base first): chr1-1437103-AC-A. GRCh37 (hg19) VCF-style: chr1-1372483-AC-A.
Other names: c.74-217del (NM_199121.3); short protein forms E85fs.
Identifiers: ClinVar variation 830325 (VCV000830325.9), dbSNP rs767263669, ClinGen allele CA523078.

ClinVar aggregate classification (germline): Pathogenic. Review status: criteria provided, multiple submitters, no conflicts (2 of 4 stars). 4 submissions from 4 submitters: Pathogenic (2). 2 of the submissions do not count toward it. Last evaluated 2025-06-03.

Conditions:
Neuronopathy, distal hereditary motor, autosomal recessive 7. Also called: NEUROPATHY, DISTAL HEREDITARY MOTOR, AUTOSOMAL RECESSIVE 7; NEUROPATHY, HEREDITARY MOTOR, WITH MYOPATHIC FEATURES. Identifiers: MedGen C5543119, MONDO:0030977, OMIM 619216.
Neuromuscular disease. Also called: Neuromuscular disorder; Neuromyopathy. Identifiers: Orphanet 68381, MedGen C0027868, MeSH D009468, MONDO:0019056.

Submissions (4):

Clinical Genetics Laboratory, Region Ostergotland
Classification: Pathogenic for Neuronopathy, distal hereditary motor, autosomal recessive 7. Last evaluated: 2025-06-03. Review status: criteria provided, single submitter. Criteria: ACMG Guidelines, 2015. Collection method: clinical testing. Allele origin: germline. Affected: yes.
Comment: This variant has been found to segregate with disease in the homozygous state (PMID: 33459760). The following ACMG/AMP criteria were applied in classifying this variant: PVS1, PM2, PP1

GeneDx
Classification: Pathogenic. Last evaluated: 2024-03-14. Review status: criteria provided, single submitter. Criteria: GeneDx Variant Classification Process June 2021. Collection method: clinical testing. Allele origin: germline.
Comment: Frameshift variant predicted to result in protein truncation or nonsense mediated decay in a gene for which loss of function is a known mechanism of disease; Not observed at significant frequency in large population cohorts (gnomAD); This variant is associated with the following publications: (PMID: 33693694, 33459760)

OMIM
Classification: Pathogenic for NEURONOPATHY, DISTAL HEREDITARY MOTOR, AUTOSOMAL RECESSIVE 7. Last evaluated: 2023-10-17. Review status: no assertion criteria provided. Collection method: literature only. Allele origin: germline. Not counted in ClinVar's aggregate classification.

Section for Clinical Neurogenetics, University of Tübingen
Classification: Likely pathogenic for Neuromyopathy. Last evaluated: 2020-01-01. Review status: no assertion criteria provided. Collection method: research. Allele origin: germline. Affected: yes. Not counted in ClinVar's aggregate classification.

Literature cited by the submitters: PubMed 33459760 (cited by Clinical Genetics Laboratory, Region Ostergotland and OMIM); PubMed 33559681 (cited by Clinical Genetics Laboratory, Region Ostergotland); PubMed 39502942 (cited by Clinical Genetics Laboratory, Region Ostergotland); PubMed 33693694 (cited by Clinical Genetics Laboratory, Region Ostergotland).